The following is an entry in ClinVar:

ClinVar aggregate classification (germline): Uncertain significance. Review status: criteria provided, multiple submitters, no conflicts (2 of 4 stars). 12 submissions from 12 submitters: Uncertain significance (11). 1 of the submissions does not count toward it. Last evaluated 2025-12-17.

Conditions:
Hereditary cancer-predisposing syndrome. Also called: Hereditary Cancer Syndrome; Neoplastic Syndromes, Hereditary; Tumor predisposition; Hereditary neoplastic syndrome. Identifiers: Orphanet 140162, MedGen C0027672, MeSH D009386, MONDO:0015356.
CDH1-related diffuse gastric and lobular breast cancer syndrome. Also called: CDH1-related diffuse gastric and lobular breast cancer. Identifiers: MedGen CN311521, MONDO:0100488.
Hereditary diffuse gastric adenocarcinoma (HDGC). Also called: DIFFUSE GASTRIC AND LOBULAR BREAST CANCER SYNDROME. Identifiers: Orphanet 26106, MedGen C1708349, MONDO:0007648, OMIM 137215.
Familial cancer of breast. Also called: BREAST CANCER, FAMILIAL; Hereditary breast cancer; hereditary breast carcinoma. Identifiers: Orphanet 227535, MedGen C0346153, MONDO:0016419, OMIM 114480. Disease mechanism: loss of function.

Allele frequency attached by ClinVar (database versions not stated): gnomAD exomes below 0.00001; ExAC 0.00001; gnomAD 0.00002; TOPMed 0.00002.
gnomAD v4.1: 4 of 1,613,702 alleles (0.00025%); highest among the groups gnomAD compares: African/African-American, 0.0013%; no homozygotes.

Submissions (12):

Labcorp Genetics (formerly Invitae), Labcorp
Classification: Uncertain significance for Hereditary diffuse gastric adenocarcinoma. Last evaluated: 2025-12-17. Review status: criteria provided, single submitter. Criteria: Invitae Variant Classification Sherloc (09022015). Collection method: clinical testing. Allele origin: germline.
Comment: This sequence change replaces threonine, which is neutral and polar, with methionine, which is neutral and non-polar, at codon 560 of the CDH1 protein (p.Thr560Met). This variant is present in population databases (rs746481984, gnomAD 0.004%). This variant has not been reported in the literature in individuals affected with CDH1-related conditions. ClinVar contains an entry for this variant (Variation ID: 188085). An algorithm developed to predict the effect of missense changes on protein structure and function (PolyPhen-2) suggests that this variant is likely to be disruptive. In summary, the available evidence is currently insufficient to determine the role of this variant in disease. Therefore, it has been classified as a Variant of Uncertain Significance.

Color Diagnostics, LLC DBA Color Health
Classification: Uncertain significance for Hereditary cancer-predisposing syndrome. Last evaluated: 2025-07-29. Review status: criteria provided, single submitter. Criteria: ACMG Guidelines, 2015. Collection method: clinical testing. Allele origin: germline.
Comment: This missense variant replaces threonine with methionine at codon 560 of the CDH1 protein. To our knowledge, functional studies have not been reported for this variant. This variant has been reported in an individual affected with sarcoma (PMID: 27498913) and in an individual unaffected with cancer (PMID: 30287823). This variant has been identified in 1/251482 chromosomes in the general population by the Genome Aggregation Database (gnomAD). The available evidence is insufficient to determine the role of this variant in disease conclusively. Therefore, this variant is classified as a Variant of Uncertain Significance.

Ambry Genetics
Classification: Uncertain significance for Hereditary cancer-predisposing syndrome. Last evaluated: 2024-09-05. Review status: criteria provided, single submitter. Criteria: Ambry Variant Classification Scheme 2023. Collection method: clinical testing. Allele origin: germline.
Comment: The p.T560M variant (also known as c.1679C>T), located in coding exon 11 of the CDH1 gene, results from a C to T substitution at nucleotide position 1679. The threonine at codon 560 is replaced by methionine, an amino acid with similar properties. In one study, this variant was detected with a carrier frequency of 0.0001 in 12490 male controls of Japanese ancestry and was not detected in 7051 unselected breast cancer patients, 53 male breast cancer patients or 11241 female controls in the same study (Momozawa Y et al. Nat Commun, 2018 10;9:4083). This amino acid position is not well conserved in available vertebrate species. In addition, this alteration is predicted to be tolerated by in silico analysis. Based on the available evidence, the clinical significance of this variant remains unclear.

Genomic Medicine Center of Excellence, King Faisal Specialist Hospital and Research Centre
Classification: Uncertain significance for Hereditary diffuse gastric adenocarcinoma. Last evaluated: 2024-03-26. Review status: criteria provided, single submitter. Criteria: ACMG Guidelines, 2015. Collection method: clinical testing. Allele origin: germline.

Baylor Genetics
Classification: Uncertain significance for Familial cancer of breast. Last evaluated: 2023-09-20. Review status: criteria provided, single submitter. Criteria: ACMG Guidelines, 2015. Collection method: clinical testing. Allele origin: unknown.

GeneDx
Classification: Uncertain significance. Last evaluated: 2023-08-22. Review status: criteria provided, single submitter. Criteria: GeneDx Variant Classification Process June 2021. Collection method: clinical testing. Allele origin: germline. Affected: yes.
Comment: Not observed at significant frequency in large population cohorts (gnomAD); In silico analysis supports that this missense variant does not alter protein structure/function; Identified in unaffected individual(s) but not in any cases from a breast cancer study (Momozawa et al., 2018); This variant is associated with the following publications: (PMID: 36243179, 15235021, 22850631, 30287823)

Myriad Genetics, Inc.
Classification: Uncertain significance for Hereditary diffuse gastric adenocarcinoma. Last evaluated: 2023-03-03. Review status: criteria provided, single submitter. Criteria: Myriad Autosomal Dominant, Autosomal Recessive and X-Linked Classification Criteria (2023). Collection method: clinical testing. Allele origin: unknown.
Comment: This variant is classified as a variant of uncertain significance as there is insufficient evidence to determine its impact on protein function and/or cancer risk.

Mayo Clinic Laboratories, Mayo Clinic
Classification: Uncertain significance. Last evaluated: 2022-11-23. Review status: criteria provided, single submitter. Criteria: ACMG Guidelines, 2015. Collection method: clinical testing. Allele origin: germline. Observed: 1 variant allele.
Comment: PM2_moderate

Department of Pathology and Laboratory Medicine, Sinai Health System
Classification: Uncertain significance for CDH1-related diffuse gastric and lobular breast cancer syndrome. Last evaluated: 2022-10-06. Review status: criteria provided, single submitter. Criteria: ACMG Guidelines, 2015. Collection method: clinical testing. Allele origin: germline. Affected: yes.

Mendelics
Classification: Uncertain significance. Last evaluated: 2022-05-04. Review status: criteria provided, single submitter. Criteria: Mendelics Assertion Criteria 2019. Collection method: clinical testing. Allele origin: germline.

Women's Health and Genetics/Laboratory Corporation of America, LabCorp
Classification: Uncertain significance. Last evaluated: 2019-07-18. Review status: criteria provided, single submitter. Criteria: LabCorp Variant Classification Summary - May 2015. Collection method: clinical testing. Allele origin: germline.
Comment: Variant summary: CDH1 c.1679C>T (p.Thr560Met) results in a non-conservative amino acid change in the encoded protein sequence. Three of five in-silico tools predict a damaging effect of the variant on protein function. The variant allele was found at a frequency of 7.2e-06 in 276462 control chromosomes. The available data on variant occurrences in the general population are insufficient to allow any conclusion about variant significance (Momozawa_2018 and gnomAD). To our knowledge, no occurrence of c.1679C>T in individuals affected with Hereditary Diffuse Gastric Cancer and no experimental evidence demonstrating its impact on protein function have been reported. Four clinical diagnostic laboratories have submitted clinical-significance assessments for this variant to ClinVar after 2014 without evidence for independent evaluation. All laboratories classified the variant as uncertain significance. Based on the evidence outlined above, the variant was classified as uncertain significance.

Counsyl
Classification: Uncertain significance for Hereditary diffuse gastric adenocarcinoma. Last evaluated: 2017-03-20. Review status: no assertion criteria provided. Collection method: clinical testing. Allele origin: unknown. Not counted in ClinVar's aggregate classification.

Literature cited by the submitters: PubMed 27498913 (cited by 4 submitters); PubMed 30287823 (cited by 4 submitters); PubMed 38874686 (cited by Ambry Genetics).

NM_004360.5(CDH1):c.1679C>T (p.Thr560Met)

Gene: CDH1 (cadherin 1; plus strand). Cytogenetic location: 16q22.1.
Variant type: single nucleotide variant.
Coding change: c.1679C>T on transcript NM_004360.5 (MANE Select); coding-DNA position 1679, C replaced by T.
Protein change: p.Thr560Met; replaces threonine 560 with methionine.
Molecular consequence: missense variant. On other transcripts: intron variant (1).
Genome position (GRCh38, 1-based): chr16:68,819,393, C>T. VCF-style: chr16-68819393-C-T. GRCh37 (hg19) VCF-style: chr16-68853296-C-T.
Other names: p.Thr560Met; c.1679C>T (LRG_301t1); c.1496C>T, p.Thr499Met (NM_001317184.2); c.131C>T, p.Thr44Met (NM_001317185.2); c.-254-2608C>T (NM_001317186.2); short protein forms T560M, T499M, T44M.
Identifiers: ClinVar variation 188085 (VCV000188085.28), dbSNP rs746481984, ClinGen allele CA334001.
Genomic context (GRCh38, chr16:68,819,393, plus strand): 5'-GTGCCATTTCCACTCGGGCTGAGCTGGACAGGGAGGATTTTGAGCACGTGAAGAACAGCA[C>T]GTACACAGCCCTAATCATAGCTACAGACAATGGTAAGGGGGCCTCATCTGAGCCTTTGCT-3'
Protein context (NP_004351.1, residues 550-570): REDFEHVKNS[Thr560Met]YTALIIATDN